The following continues an entry in ClinVar:

NM_000138.5(FBN1):c.5183C>T (p.Ala1728Val)

Gene: FBN1. ClinVar aggregate classification (germline): Pathogenic/Likely pathogenic. Pathogenic (10); Likely pathogenic (4).

Submissions 11 to 18 of 18:

Illumina Laboratory Services, Illumina
Classification: Likely pathogenic for Geleophysic dysplasia. Last evaluated: 2017-04-27. Review status: criteria provided, single submitter. Criteria: ICSL Variant Classification Criteria 09 May 2019. Collection method: clinical testing. Allele origin: germline.
Comment: The FBN1 c.5183C>T (p.Ala1728Val) missense variant has been reported in two studies and found in a total of four individuals from three unrelated families affected with FBN1-related disorders, including acromicric dysplasia and geleophysic dysplasia, all in a heterozygous state (Le Goff et al. 2011; de Bruin et al. 2016). The individual reported in Le Goff et al. (2011) study was de novo for the variant, while one patient reported in de Bruin et al. (2016) study inherited the variant from affected mother. The variant was absent from the 1000 Genomes Project, Exome Sequencing Project, the Exome Aggregation Consortium and the Genome Aggregation Database in a region of good sequence coverage so the variant is presumed to be rare. Based on the evidence, the p.Ala1728Val is classified as likely pathogenic for FBN1-related disorders. This variant was observed in the ICSL laboratory as part of a predisposition screen in an ostensibly healthy population.

Centre for Mendelian Genomics, University Medical Centre Ljubljana
Classification: Pathogenic for Metaphyseal chondrodysplasia. Last evaluated: 2017-01-01. Review status: criteria provided, single submitter. Criteria: ACMG Guidelines, 2015. Collection method: clinical testing. Allele origin: unknown. Affected: yes.

Centre for Mendelian Genomics, University Medical Centre Ljubljana
Classification: Likely pathogenic for Relative macrocephaly; Short stature; Wide mouth; Wide nasal bridge. Last evaluated: 2017-01-01. Review status: criteria provided, single submitter. Criteria: ACMG Guidelines, 2015. Collection method: clinical testing. Allele origin: unknown. Affected: yes.

Juno Genomics, Hangzhou Juno Genomics, Inc
Classification: Pathogenic for Acromicric dysplasia; Ectopia lentis 1, isolated, autosomal dominant; Geleophysic dysplasia 2; MASS syndrome; Progeroid and marfanoid aspect-lipodystrophy syndrome; Marfan syndrome; Stiff skin syndrome; Weill-Marchesani syndrome 2, dominant. Review status: criteria provided, single submitter. Criteria: ACMG Guidelines, 2015. Collection method: clinical testing. Allele origin: germline. Affected: yes.
Comment: Absent from controls (or at extremely low frequency if recessive) in Genome Aggregation Database, Exome Sequencing Project, 1000 Genomes Project, or Exome Aggregation Consortium.;The prevalence of the variant in affected individuals is significantly increased compared to the prevalence in controls.;Assumed de novo, but without confirmation of paternity and maternity.;Missense variant in a gene that has a low rate of benign missense variation and where missense variants are a common mechanism of disease.;Multiple lines of computational evidence support a deleterious effect on the gene or gene product (conservation, evolutionary, splicing impact, etc).;Patient's phenotype or family history is highly specific for a disease with a single genetic etiology.;Novel missense change at an amino acid residue where a different missense change determined to be pathogenic has been seen before.

Mustafa Tekin Lab, University Of Miami, Miller School Of Medicine
Classification: Pathogenic for Geleophysic dysplasia 2. Last evaluated: 2024-12-02. Review status: no assertion criteria provided. Collection method: research. Allele origin: germline. Affected: yes. Observed: 1 heterozygote. Not counted in ClinVar's aggregate classification.

PreventionGenetics, part of Exact Sciences
Classification: Likely pathogenic for FBN1-related condition. Last evaluated: 2024-05-14. Review status: no assertion criteria provided. Collection method: clinical testing. Allele origin: germline. Not counted in ClinVar's aggregate classification.
Comment: The FBN1 c.5183C>T variant is predicted to result in the amino acid substitution p.Ala1728Val. This variant has been reported in multiple individuals with geleophysic dysplasia (Table 2, de novo, Le Goff et al. 2011. PubMed ID: 21683322; Table S2, Fan et al. 2021. PubMed ID: 34006472). This variant has also been reported in multiple individuals with acromicric dysplasia (Figure 1, de Bruin et al. 2016. PubMed ID: 27245183; Table S3, Marzin et al. 2020. PubMed ID: 33082559; Figure 1, Shen et al. 2023. PubMed ID: 36998968). This variant has not been reported in a large population database, indicating this variant is rare. This variant is interpreted as likely pathogenic.

Department of Pediatrics, Taizhou Central Hospital, Taizhou University Hospital
Classification: Likely pathogenic for Acromicric dysplasia. Last evaluated: 2024-02-01. Review status: no assertion criteria provided. Collection method: clinical testing. Allele origin: paternal. Affected: yes. Observed: 1 variant allele. Not counted in ClinVar's aggregate classification.

Beijing Key Laboratory for Genetic Research of Skeletal Deformity, Peking Union Medical College Hospital
Classification: Likely pathogenic for Geleophysic dysplasia 2. Last evaluated: 2019-05-31. Review status: no assertion criteria provided. Collection method: research. Allele origin: paternal. Affected: yes. Not counted in ClinVar's aggregate classification.

Literature cited by the submitters: PubMed 21683322 (cited by 5 submitters); PubMed 27245183 (cited by 4 submitters); PubMed 33082559 (cited by Ambry Genetics); PubMed 34006472 (cited by Ambry Genetics); PubMed 34040419 (cited by Ambry Genetics); PubMed 36998968 (cited by Ambry Genetics and Variantyx, Inc.); PubMed 38041506 (cited by Ambry Genetics); PubMed 38933926 (cited by Ambry Genetics); PubMed 19012347 (cited by 3billion).